The following is an entry in ClinVar:

ClinVar aggregate classification (germline): Uncertain significance (1 of 4 stars; one submission).

Allele frequency attached by ClinVar (database versions not stated): gnomAD exomes below 0.00001; gnomAD 0.00001; TOPMed 0.00002; ESP Exome Variant Server 0.00008.
gnomAD v4.1: 8 of 1,612,368 alleles (0.0005%); highest among the groups gnomAD compares: Non-Finnish European, 0.00068%; no homozygotes.

Submission:

Labcorp Genetics (formerly Invitae), Labcorp
Classification: Uncertain significance. Last evaluated: 2022-09-01. Review status: criteria provided, single submitter. Criteria: Invitae Variant Classification Sherloc (09022015). Collection method: clinical testing. Allele origin: germline.
Comment: Algorithms developed to predict the effect of missense changes on protein structure and function output the following: SIFT: "Tolerated"; PolyPhen-2: "Benign"; Align-GVGD: "Class C0". The alanine amino acid residue is found in multiple mammalian species, which suggests that this missense change does not adversely affect protein function. In summary, the available evidence is currently insufficient to determine the role of this variant in disease. Therefore, it has been classified as a Variant of Uncertain Significance. ClinVar contains an entry for this variant (Variation ID: 1504546). This variant has not been reported in the literature in individuals affected with KIAA0753-related conditions. This variant is present in population databases (rs369104199, gnomAD 0.0009%). This sequence change replaces threonine, which is neutral and polar, with alanine, which is neutral and non-polar, at codon 702 of the KIAA0753 protein (p.Thr702Ala).

NM_014804.3(KIAA0753):c.2104A>G (p.Thr702Ala)

Gene: KIAA0753 (KIAA0753; minus strand). Cytogenetic location: 17p13.1.
Variant type: single nucleotide variant.
Coding change: c.2104A>G on transcript NM_014804.3 (MANE Select); coding-DNA position 2104, A replaced by G.
Protein change: p.Thr702Ala; replaces threonine 702 with alanine.
Molecular consequence: missense variant. On other transcripts: non-coding transcript variant (3).
Genome position (GRCh38, 1-based): chr17:6,599,305, T>C on the plus strand (A>G on the coding strand, the complement: KIAA0753 is on the minus strand). VCF-style: chr17-6599305-T-C. GRCh37 (hg19) VCF-style: chr17-6502625-T-C.
Other names: c.1207A>G, p.Thr403Ala (NM_001351225.2); short protein forms T403A, T702A.
Identifiers: ClinVar variation 1504546 (VCV001504546.6), dbSNP rs369104199, ClinGen allele CA287347002.